The following is an entry in ClinVar:

ClinVar aggregate classification (germline): Uncertain significance (1 of 4 stars; one submission).

Conditions:
Inborn genetic diseases. Identifiers: MedGen C0950123, MeSH D030342.

gnomAD v4.1: 7 of 1,614,044 alleles (0.00043%); highest among the groups gnomAD compares: East Asian, 0.0022%; no homozygotes.

Submission:

Ambry Genetics
Classification: Uncertain significance for Inborn genetic diseases. Last evaluated: 2026-05-10. Review status: criteria provided, single submitter. Criteria: Ambry Variant Classification Scheme 2023. Collection method: clinical testing. Allele origin: germline.
Comment: The c.9017G>A (p.R3006H) alteration is located in exon 57 (coding exon 57) of the TRIO gene. This alteration results from a G to A substitution at nucleotide position 9017, causing the arginine (R) at amino acid position 3006 to be replaced by a histidine (H). Based on data from gnomAD, the A allele has an overall frequency of 0.001% (3/251468) total alleles studied. The highest observed frequency was 0.006% (1/16256) of African alleles. Based on insufficient or conflicting evidence, the clinical significance of this alteration remains unclear.

NM_007118.4(TRIO):c.9017G>A (p.Arg3006His)

Gene: TRIO (trio Rho guanine nucleotide exchange factor; plus strand). Cytogenetic location: 5p15.2.
Variant type: single nucleotide variant.
Coding change: c.9017G>A on transcript NM_007118.4 (MANE Select); coding-DNA position 9017, G replaced by A.
Protein change: p.Arg3006His; replaces arginine 3006 with histidine.
Molecular consequence: missense variant. On other transcripts: non-coding transcript variant (1).
Genome position (GRCh38, 1-based): chr5:14,508,145, G>A. VCF-style: chr5-14508145-G-A. GRCh37 (hg19) VCF-style: chr5-14508254-G-A.
Other names: short protein forms R3006H.
Identifiers: ClinVar variation 4865928 (VCV004865928.1).